The following is an entry in ClinVar:

NM_016373.4(WWOX):c.193C>A (p.Gln65Lys)

Gene: WWOX (WW domain containing oxidoreductase; plus strand). Cytogenetic location: 16q23.1.
Variant type: single nucleotide variant.
Coding change: c.193C>A on transcript NM_016373.4 (MANE Select); coding-DNA position 193, C replaced by A.
Protein change: p.Gln65Lys; replaces glutamine 65 with lysine.
Molecular consequence: missense variant. On other transcripts: 5 prime UTR variant (1), non-coding transcript variant (1).
Genome position (GRCh38, 1-based): chr16:78,109,798, C>A. VCF-style: chr16-78109798-C-A. GRCh37 (hg19) VCF-style: chr16-78143695-C-A.
Other names: c.-147C>A (NM_001291997.2); c.193C>A, p.Gln65Lys (NM_130791.5); short protein forms Q65K.
Identifiers: ClinVar variation 855338 (VCV000855338.8), dbSNP rs558101281, ClinGen allele CA8183081.

ClinVar aggregate classification (germline): Uncertain significance. Review status: criteria provided, multiple submitters, no conflicts (2 of 4 stars). 2 submissions from 2 submitters: Uncertain significance (2). Last evaluated 2022-07-12.

Conditions:
Developmental and epileptic encephalopathy, 1 (DEE1). Also called: X-linked infantile spasms; West's syndrome; Tonic spasms with clustering, arrest of psychomotor development and hypsarrhythmia on EEG; X-Linked Infantile Spasm Syndrome; Epileptic encephalopathy, early infantile, 1; OHTAHARA SYNDROME, X-LINKED. Identifiers: MedGen C3463992, MONDO:0010632, OMIM 308350. Disease mechanism: loss of function.
Autosomal recessive spinocerebellar ataxia 12. Also called: SPINOCEREBELLAR ATAXIA WITH MENTAL RETARDATION AND EPILEPSY. Identifiers: Orphanet 284282, MedGen C3280452, MONDO:0013687, OMIM 614322.

Allele frequency attached by ClinVar (database versions not stated): gnomAD exomes below 0.00001; ExAC 0.00001; gnomAD 0.00001 and 0.00005; TOPMed 0.00001.
gnomAD v4.1: 12 of 1,614,088 alleles (0.00074%); highest among the groups gnomAD compares: African/African-American, 0.013%; no homozygotes.

Submissions (2):

Labcorp Genetics (formerly Invitae), Labcorp
Classification: Uncertain significance for Developmental and epileptic encephalopathy, 1; Autosomal recessive spinocerebellar ataxia 12. Last evaluated: 2022-07-12. Review status: criteria provided, single submitter. Criteria: Invitae Variant Classification Sherloc (09022015). Collection method: clinical testing. Allele origin: germline.
Comment: This sequence change replaces glutamine, which is neutral and polar, with lysine, which is basic and polar, at codon 65 of the WWOX protein (p.Gln65Lys). This variant is present in population databases (rs558101281, gnomAD 0.008%). This variant has not been reported in the literature in individuals affected with WWOX-related conditions. ClinVar contains an entry for this variant (Variation ID: 855338). Algorithms developed to predict the effect of missense changes on protein structure and function are either unavailable or do not agree on the potential impact of this missense change (SIFT: "Not Available"; PolyPhen-2: "Benign"; Align-GVGD: "Not Available"). In summary, the available evidence is currently insufficient to determine the role of this variant in disease. Therefore, it has been classified as a Variant of Uncertain Significance.

GeneDx
Classification: Uncertain significance. Last evaluated: 2019-11-26. Review status: criteria provided, single submitter. Criteria: GeneDx Variant Classification Process June 2021. Collection method: clinical testing. Allele origin: germline. Affected: yes.
Comment: Not observed at a significant frequency in large population cohorts (Lek et al., 2016); In silico analysis, which includes protein predictors and evolutionary conservation, supports that this variant does not alter protein structure/function; Has not been previously published as pathogenic or benign to our knowledge